The following is an entry in ClinVar:

NM_002900.3(RBP3):c.3473T>C (p.Met1158Thr)

Gene: RBP3 (retinol binding protein 3; plus strand). Cytogenetic location: 10q11.22.
Variant type: single nucleotide variant.
Coding change: c.3473T>C on transcript NM_002900.3 (MANE Select); coding-DNA position 3473, T replaced by C.
Protein change: p.Met1158Thr; replaces methionine 1158 with threonine.
Molecular consequence: missense variant.
Genome position (GRCh38, 1-based): chr10:47,357,186, T>C. VCF-style: chr10-47357186-T-C. GRCh37 (hg19) VCF-style: chr10-48382176-A-G.
Other names: short protein forms M1158T.
Identifiers: ClinVar variation 2091779 (VCV002091779.4), dbSNP rs782526022, ClinGen allele CA5487036.

ClinVar aggregate classification (germline): Uncertain significance (1 of 4 stars; one submission).

Allele frequency attached by ClinVar (database versions not stated): gnomAD exomes 0.00001; ExAC 0.00001.

Submission:

Labcorp Genetics (formerly Invitae), Labcorp
Classification: Uncertain significance. Last evaluated: 2025-11-01. Review status: criteria provided, single submitter. Criteria: Invitae Variant Classification Sherloc (09022015). Collection method: clinical testing. Allele origin: germline.
Comment: This sequence change replaces methionine, which is neutral and non-polar, with threonine, which is neutral and polar, at codon 1158 of the RBP3 protein (p.Met1158Thr). This variant is present in population databases (rs782526022, gnomAD 0.0009%). This variant has not been reported in the literature in individuals affected with RBP3-related conditions. ClinVar contains an entry for this variant (Variation ID: 2091779). Invitae Evidence Modeling of protein sequence and biophysical properties (such as structural, functional, and spatial information, amino acid conservation, physicochemical variation, residue mobility, and thermodynamic stability) has been performed for this missense variant. However, the output from this modeling did not meet the statistical confidence thresholds required to predict the impact of this variant on RBP3 protein function. In summary, the available evidence is currently insufficient to determine the role of this variant in disease. Therefore, it has been classified as a Variant of Uncertain Significance.